The following is an entry in ClinVar:

NM_001943.5(DSG2):c.3308del (p.Ser1103fs)

Genes: DSG2 (desmoglein 2; plus strand), DSG2-AS1 (DSG2 antisense RNA 1; minus strand). Cytogenetic location: 18q12.1.
Variant type: Deletion.
Coding change: c.3308del on transcript NM_001943.5 (MANE Select); coding-DNA position 3308, one base deleted (C; older notation c.3308delC).
Protein change: p.Ser1103fs; shifts the reading frame from serine 1103.
Molecular consequence: frameshift variant.
Genome position (GRCh38, 1-based): chr18:31,546,694, C deleted. VCF-style (leftmost placement, unchanged base first): chr18-31546693-TC-T. GRCh37 (hg19) VCF-style: chr18-29126656-TC-T.
Other names: short protein forms S1103fs.
Identifiers: ClinVar variation 3071969 (VCV003071969.1), dbSNP rs2510922904, ClinGen allele CA2825002685.

ClinVar aggregate classification (germline): Uncertain significance (1 of 4 stars; one submission).

Conditions:
Arrhythmogenic right ventricular cardiomyopathy (ARVD). Also called: Arrhythmogenic right ventricular dysplasia; Cardiomyopathy, ARVC; Arrhythmogenic cardiomyopathy; Arrhythmogenic Right Ventricular Cardiomyopathy (ARVC). Identifiers: Orphanet 247, MedGen C0349788, MeSH D019571, MONDO:0016587. Disease mechanism: loss of function. Inheritance: Various modes of inheritance.

Submission:

All of Us Research Program, National Institutes of Health
Classification: Uncertain significance for Arrhythmogenic right ventricular cardiomyopathy. Last evaluated: 2023-06-26. Review status: criteria provided, single submitter. Criteria: ACMG Guidelines, 2015. Collection method: clinical testing. Allele origin: germline. Inheritance: Autosomal dominant inheritance. Observed: 1 variant allele, 1 heterozygote.
Comment: This variant deletes 1 nucleotide in exon 15 of the DSG2 gene, creating a frameshift and premature translation stop signal in the last exon. The mutant transcript is expected to escape nonsense-mediated decay and be expressed as a protein product containing altered C-terminal sequence. To our knowledge, this variant has not been reported in individuals affected with cardiovascular disorders in the literature. This variant has not been identified in the general population by the Genome Aggregation Database (gnomAD). The available evidence is insufficient to determine the role of this variant in disease conclusively. Therefore, this variant is classified as a Variant of Uncertain Significance.

This study involves interpretation of variants in research participants for the purpose of population health screening. Participant phenotype was not available at the time of variant classification. Additional details can be found in publication PMID: 35346344, PMCID: PMC8962531